The following is an entry in ClinVar:

ClinVar aggregate classification (germline): Uncertain significance (1 of 4 stars; one submission).

Conditions:
Idiopathic generalized epilepsy. Also called: EIG; Generalised epilepsy. Identifiers: MedGen C0270850, MONDO:0005579, OMIM 600669.
Hyperaldosteronism, familial, type IV (HALD4). Also called: FH IV; ALDOSTERONISM, PRIMARY, AND HYPERTENSION. Identifiers: Orphanet 642671, MedGen C4310756, MONDO:0014875, OMIM 617027.

gnomAD v4.1: 3 of 1,551,780 alleles (0.00019%); highest among the groups gnomAD compares: Admixed American, 0.002%; no homozygotes.

Submission:

Labcorp Genetics (formerly Invitae), Labcorp
Classification: Uncertain significance for Idiopathic generalized epilepsy; Hyperaldosteronism, familial, type IV. Last evaluated: 2024-07-01. Review status: criteria provided, single submitter. Criteria: Invitae Variant Classification Sherloc (09022015). Collection method: clinical testing. Allele origin: germline.
Comment: This sequence change replaces alanine, which is neutral and non-polar, with aspartic acid, which is acidic and polar, at codon 480 of the CACNA1H protein (p.Ala480Asp). This variant is not present in population databases (gnomAD no frequency). This variant has not been reported in the literature in individuals affected with CACNA1H-related conditions. Advanced modeling of protein sequence and biophysical properties (such as structural, functional, and spatial information, amino acid conservation, physicochemical variation, residue mobility, and thermodynamic stability) performed at Invitae indicates that this missense variant is not expected to disrupt CACNA1H protein function with a negative predictive value of 80%. In summary, the available evidence is currently insufficient to determine the role of this variant in disease. Therefore, it has been classified as a Variant of Uncertain Significance.

NM_021098.3(CACNA1H):c.1439C>A (p.Ala480Asp)

Gene: CACNA1H (calcium voltage-gated channel subunit alpha1 H; plus strand). Cytogenetic location: 16p13.3.
Variant type: single nucleotide variant.
Coding change: c.1439C>A on transcript NM_021098.3 (MANE Select); coding-DNA position 1439, C replaced by A.
Protein change: p.Ala480Asp; replaces alanine 480 with aspartic acid.
Molecular consequence: missense variant.
Genome position (GRCh38, 1-based): chr16:1,201,889, C>A. VCF-style: chr16-1201889-C-A. GRCh37 (hg19) VCF-style: chr16-1251889-C-A.
Other names: c.1439C>A, p.Ala480Asp (NM_001005407.2); short protein forms A480D.
Identifiers: ClinVar variation 3756638 (VCV003756638.2).
Genomic context (GRCh38, chr16:1,201,889, plus strand): 5'-TGCTGAAGTACGTGGGCCACATATTCCGCAAGGTCAAGCGGCGCAGCTTGCGCCTCTACG[C>A]CCGCTGGCAGAGCCGCTGGCGCAAGAAGGTGGACCCCAGTGCTGTGCAAGGCCAGGGTCC-3'
Protein context (NP_066921.2, residues 470-490): KVKRRSLRLY[Ala480Asp]RWQSRWRKKV